The following is an entry in ClinVar:

ClinVar aggregate classification (germline): Likely benign. Review status: criteria provided, multiple submitters, no conflicts (2 of 4 stars). 2 submissions from 2 submitters: Likely benign (2). Last evaluated 2025-05-22.

Conditions:
TUB-related disorder. Also called: TUB-related condition.

Submissions (2):

PreventionGenetics, part of Exact Sciences
Classification: Likely benign for TUB-related condition. Last evaluated: 2025-05-22. Review status: criteria provided, single submitter. Criteria: ACMG Guidelines, 2015. Collection method: clinical testing. Allele origin: germline.
Comment: This variant is classified as likely benign based on ACMG/AMP sequence variant interpretation guidelines (Richards et al. 2015 PMID: 25741868, with internal and published modifications).

Labcorp Genetics (formerly Invitae), Labcorp
Classification: Likely benign. Last evaluated: 2021-05-26. Review status: criteria provided, single submitter. Criteria: Invitae Variant Classification Sherloc (09022015). Collection method: clinical testing. Allele origin: germline.

NM_177972.3(TUB):c.566-4C>T

Genes: RIC3 (RIC3 acetylcholine receptor chaperone; minus strand), TUB (TUB bipartite transcription factor; plus strand). Cytogenetic location: 11p15.4.
Variant type: single nucleotide variant.
Coding change: c.566-4C>T on transcript NM_177972.3 (MANE Select); 4 bases into the intron before coding-DNA position 566, C replaced by T.
Molecular consequence: intron variant.
Genome position (GRCh38, 1-based): chr11:8,096,681, C>T. VCF-style: chr11-8096681-C-T. GRCh37 (hg19) VCF-style: chr11-8118228-C-T.
Other names: c.731-4C>T (NM_003320.5, NM_003320.4).
Identifiers: ClinVar variation 1561583 (VCV001561583.9), dbSNP rs2133872224, ClinGen allele CA2573147221.